The following is an entry in ClinVar:

NM_000229.2(LCAT):c.899G>A (p.Arg300His)

Gene: LCAT (lecithin-cholesterol acyltransferase; minus strand). Cytogenetic location: 16q22.1.
Variant type: single nucleotide variant.
Coding change: c.899G>A on transcript NM_000229.2 (MANE Select); coding-DNA position 899, G replaced by A.
Protein change: p.Arg300His; replaces arginine 300 with histidine.
Molecular consequence: missense variant.
Genome position (GRCh38, 1-based): chr16:67,940,328, C>T on the plus strand (G>A on the coding strand, the complement: LCAT is on the minus strand). VCF-style: chr16-67940328-C-T. GRCh37 (hg19) VCF-style: chr16-67974231-C-T.
Other names: short protein forms R300H.
Identifiers: ClinVar variation 1765383 (VCV001765383.3), dbSNP rs770469492, ClinGen allele CA8120936.

ClinVar aggregate classification (germline): Uncertain significance. Review status: criteria provided, multiple submitters, no conflicts (2 of 4 stars). 2 submissions from 2 submitters: Uncertain significance (2). Last evaluated 2024-03-02.

Conditions:
Norum disease. Also called: Familial lecithin cholesterol acyltransferase deficiency. Identifiers: Orphanet 79293, MedGen C0023195, MONDO:0009515, OMIM 245900.
Fish-eye disease (FED). Also called: ALPHA-LCAT DEFICIENCY; DYSLIPOPROTEINEMIC CORNEAL DYSTROPHY; LCATA DEFICIENCY. Identifiers: Orphanet 650, Orphanet 79292, MedGen C0342895, MONDO:0007620, OMIM 136120.
Cardiovascular phenotype. Identifiers: MedGen CN230736.

Allele frequency attached by ClinVar (database versions not stated): gnomAD exomes 0.00007; gnomAD 0.00008; TOPMed 0.00010; ExAC 0.00011.

Submissions (2):

Ambry Genetics
Classification: Uncertain significance for Cardiovascular phenotype. Last evaluated: 2024-03-02. Review status: criteria provided, single submitter. Criteria: Ambry Variant Classification Scheme 2023. Collection method: clinical testing. Allele origin: germline.
Comment: The p.R300H variant (also known as c.899G>A), located in coding exon 6 of the LCAT gene, results from a G to A substitution at nucleotide position 899. The arginine at codon 300 is replaced by histidine, an amino acid with highly similar properties. This amino acid position is conserved. In addition, this alteration is predicted to be tolerated by in silico analysis. Since supporting evidence is limited at this time, the clinical significance of this alteration remains unclear.

Fulgent Genetics
Classification: Uncertain significance for Fish-eye disease; Norum disease. Last evaluated: 2024-01-09. Review status: criteria provided, single submitter. Criteria: ACMG Guidelines, 2015. Collection method: clinical testing. Allele origin: germline.